The following is an entry in ClinVar:

ClinVar aggregate classification (germline): Likely benign. Review status: criteria provided, single submitter (1 of 4 stars). 2 submissions from 2 submitters: Likely benign (1). 1 of the submissions does not count toward it. Last evaluated 2025-05-22.

Conditions:
ATP5F1A-related disorder. Also called: ATP5F1A-related condition.

Allele frequency attached by ClinVar (database versions not stated): ExAC 0.00001; ESP Exome Variant Server 0.00016.
gnomAD v4.1: 6 of 1,606,060 alleles (0.00037%); highest among the groups gnomAD compares: African/African-American, 0.0053%; no homozygotes.

Submissions (2):

Labcorp Genetics (formerly Invitae), Labcorp
Classification: Likely benign. Last evaluated: 2025-05-22. Review status: criteria provided, single submitter. Criteria: Invitae Variant Classification Sherloc (09022015). Collection method: clinical testing. Allele origin: germline.

PreventionGenetics, part of Exact Sciences
Classification: Likely benign for ATP5F1A-related condition. Last evaluated: 2019-03-20. Review status: no assertion criteria provided. Collection method: clinical testing. Allele origin: germline. Not counted in ClinVar's aggregate classification.
Comment: This variant is classified as likely benign based on ACMG/AMP sequence variant interpretation guidelines (Richards et al. 2015 PMID: 25741868, with internal and published modifications).

NM_004046.6(ATP5F1A):c.39C>T (p.Ala13=)

Genes: ATP5F1A (ATP synthase F1 subunit alpha; minus strand), LOC126862738 (BRD4-independent group 4 enhancer GRCh37_chr18:43677662-43678861; plus strand). Cytogenetic location: 18q21.1.
Variant type: single nucleotide variant.
Coding change: c.39C>T on transcript NM_004046.6 (MANE Select); coding-DNA position 39, C replaced by T.
Protein change: p.Ala13=; no amino-acid change (alanine 13 retained).
Molecular consequence: synonymous variant. On other transcripts: 5 prime UTR variant (2).
Genome position (GRCh38, 1-based): chr18:46,098,193, G>A on the plus strand (C>T on the coding strand, the complement: ATP5F1A is on the minus strand). VCF-style: chr18-46098193-G-A. GRCh37 (hg19) VCF-style: chr18-43678159-G-A.
Other names: c.-185C>T (NM_001001935.3); c.39C>T, p.Ala13= (NM_001001937.2, NM_001257334.2); c.-448C>T (NM_001257335.2).
Identifiers: ClinVar variation 3047241 (VCV003047241.3), dbSNP rs143021657, ClinGen allele CA8950992.